The following is an entry in ClinVar:

ClinVar aggregate classification (germline): Uncertain significance (1 of 4 stars; one submission).

Allele frequency attached by ClinVar (database versions not stated): gnomAD exomes below 0.00001; ExAC 0.00001; TOPMed 0.00002; ESP Exome Variant Server 0.00008.

Submission:

Labcorp Genetics (formerly Invitae), Labcorp
Classification: Uncertain significance. Last evaluated: 2022-07-19. Review status: criteria provided, single submitter. Criteria: Invitae Variant Classification Sherloc (09022015). Collection method: clinical testing. Allele origin: germline.
Comment: Advanced modeling of protein sequence and biophysical properties (such as structural, functional, and spatial information, amino acid conservation, physicochemical variation, residue mobility, and thermodynamic stability) performed at Invitae indicates that this missense variant is expected to disrupt YARS2 protein function. This variant has not been reported in the literature in individuals affected with YARS2-related conditions. This variant is present in population databases (rs367646654, gnomAD 0.007%). This sequence change replaces methionine, which is neutral and non-polar, with threonine, which is neutral and polar, at codon 214 of the YARS2 protein (p.Met214Thr). In summary, the available evidence is currently insufficient to determine the role of this variant in disease. Therefore, it has been classified as a Variant of Uncertain Significance.

NM_001040436.3(YARS2):c.641T>C (p.Met214Thr)

Gene: YARS2 (tyrosyl-tRNA synthetase 2; minus strand). Cytogenetic location: 12p11.21.
Variant type: single nucleotide variant.
Coding change: c.641T>C on transcript NM_001040436.3 (MANE Select); coding-DNA position 641, T replaced by C.
Protein change: p.Met214Thr; replaces methionine 214 with threonine.
Molecular consequence: missense variant.
Genome position (GRCh38, 1-based): chr12:32,755,234, A>G on the plus strand (T>C on the coding strand, the complement: YARS2 is on the minus strand). VCF-style: chr12-32755234-A-G. GRCh37 (hg19) VCF-style: chr12-32908168-A-G.
Other names: short protein forms M214T.
Identifiers: ClinVar variation 1968294 (VCV001968294.5), dbSNP rs367646654, ClinGen allele CA6508135.
Genomic context (GRCh38, chr12:32,755,234, plus strand): 5'-TGGAAGAGGTAATAGAAGTCATAGGCCTGGAGCACCTGGTAAAAGAACTCGGCCAAGCTC[A>G]TGCCCTCGGGGCTCTTGAGCCGCAGCTGCACGCTCTGCCGGCTCAGCAGCGTCCCCATGC-3'
Protein context (NP_001035526.1, residues 204-224): VQLRLKSPEG[Met214Thr]SLAEFFYQVL